The following is an entry in ClinVar:

NM_004415.4(DSP):c.3456C>A (p.Asn1152Lys)

Gene: DSP (desmoplakin; plus strand). Cytogenetic location: 6p24.3.
Variant type: single nucleotide variant.
Coding change: c.3456C>A on transcript NM_004415.4 (MANE Select); coding-DNA position 3456, C replaced by A.
Protein change: p.Asn1152Lys; replaces asparagine 1152 with lysine.
Molecular consequence: missense variant.
Genome position (GRCh38, 1-based): chr6:7,579,646, C>A. VCF-style: chr6-7579646-C-A. GRCh37 (hg19) VCF-style: chr6-7579879-C-A.
Other names: c.3456C>A, p.Asn1152Lys (NM_001008844.3, NM_001319034.2); short protein forms N1152K.
Identifiers: ClinVar variation 2068891 (VCV002068891.7), dbSNP rs750557604, ClinGen allele CA038121.

ClinVar aggregate classification (germline): Conflicting classifications of pathogenicity. Review status: criteria provided, conflicting classifications (1 of 4 stars). 3 submissions from 3 submitters: Uncertain significance (2); Likely benign (1). Last evaluated 2026-03-28.

Conditions:
Cardiomyopathy (CMYO). Also called: Cardiomyopathies. Identifiers: Orphanet 167848, MedGen C0878544, MONDO:0004994, HP:0001638. Inheritance: Various modes of inheritance.
Cardiovascular phenotype. Identifiers: MedGen CN230736.
Arrhythmogenic right ventricular dysplasia 8 (ARVD8). Also called: Arrhythmogenic Right Ventricular Dysplasia/Cardiomyopathy 8; ARRHYTHMOGENIC RIGHT VENTRICULAR DYSPLASIA, FAMILIAL, 8; ARRHYTHMOGENIC RIGHT VENTRICULAR CARDIOMYOPATHY 8. Identifiers: MedGen C1843896, MONDO:0011831, OMIM 607450.
Arrhythmogenic cardiomyopathy with wooly hair and keratoderma. Also called: PALMOPLANTAR KERATODERMA WITH LEFT VENTRICULAR CARDIOMYOPATHY AND WOOLLY HAIR; Carvajal syndrome; Dilated cardiomyopathy with woolly hair and keratoderma; Arrhythmogenic cardiomyopathy with woolly hair and keratoderma. Identifiers: Orphanet 65282, MedGen C1854063, MONDO:0011581, OMIM 605676.

gnomAD v4.1: 6 of 1,613,884 alleles (0.00037%); highest among the groups gnomAD compares: East Asian, 0.0022%; no homozygotes.

Submissions (3):

Ambry Genetics
Classification: Uncertain significance for Cardiovascular phenotype. Last evaluated: 2026-03-28. Review status: criteria provided, single submitter. Criteria: Ambry Variant Classification Scheme 2023. Collection method: clinical testing. Allele origin: germline.
Comment: The p.N1152K variant (also known as c.3456C>A), located in coding exon 23 of the DSP gene, results from a C to A substitution at nucleotide position 3456. The asparagine at codon 1152 is replaced by lysine, an amino acid with similar properties. This amino acid position is conserved. In addition, this alteration is predicted to be tolerated by in silico analysis. Based on the available evidence, the clinical significance of this variant remains unclear.

Color Diagnostics, LLC DBA Color Health
Classification: Uncertain significance for Cardiomyopathy. Last evaluated: 2024-03-06. Review status: criteria provided, single submitter. Criteria: ACMG Guidelines, 2015. Collection method: clinical testing. Allele origin: germline.
Comment: This missense variant replaces asparagine with lysine at codon 1152 of the DSP protein. Computational prediction suggests that this variant may not impact protein structure and function (internally defined REVEL score threshold <= 0.5, PMID: 27666373). To our knowledge, functional studies have not been reported for this variant. This variant has not been reported in individuals affected with cardiovascular disorders in the literature. This variant has been identified in 1/250426 chromosomes in the general population by the Genome Aggregation Database (gnomAD). The available evidence is insufficient to determine the role of this variant in disease conclusively. Therefore, this variant is classified as a Variant of Uncertain Significance.

Labcorp Genetics (formerly Invitae), Labcorp
Classification: Likely benign for Arrhythmogenic cardiomyopathy with wooly hair and keratoderma; Arrhythmogenic right ventricular dysplasia 8. Last evaluated: 2023-03-26. Review status: criteria provided, single submitter. Criteria: Invitae Variant Classification Sherloc (09022015). Collection method: clinical testing. Allele origin: germline.